The following is an entry in ClinVar:

ClinVar aggregate classification (germline): Likely pathogenic (1 of 4 stars; one submission).

Conditions:
Glycine encephalopathy. Also called: Nonketotic hyperglycinemia; Non-ketotic hyperglycinemia. Identifiers: Orphanet 407, MedGen C0751748, MONDO:0011612, HP:0008288.

Submission:

Women's Health and Genetics/Laboratory Corporation of America, LabCorp
Classification: Likely pathogenic for Glycine encephalopathy. Last evaluated: 2023-08-29. Review status: criteria provided, single submitter. Criteria: LabCorp Variant Classification Summary - May 2015. Collection method: clinical testing. Allele origin: germline.
Comment: Variant summary: AMT c.954_959delinsAAGGCA (p.Arg320His) results in a non-conservative amino acid change located in the glycine cleavage T-protein, C-terminal barrel domain (IPR013977) of the encoded protein sequence. Five of five in-silico tools predict a damaging effect of the variant on protein function. The variant was absent in 251218 control chromosomes (gnomAD). To our knowledge, no occurrence of c.954_959delinsAAGGCA in individuals affected with Glycine Encephalopathy (Non-Ketotic Hyperglycinemia) and no experimental evidence demonstrating its impact on protein function have been reported. However, a different variant resulting in the same amino acid change (c.959G>A, p.Arg320His) has been classified as pathogenic by our laboratory and others in ClinVar. No submitters have cited clinical-significance assessments for the c.954_959delinsAAGGCA variant to ClinVar after 2014. Based on the evidence outlined above, the variant was classified as likely pathogenic.

NM_000481.4(AMT):c.954_959delinsAAGGCA (p.Arg320His)

Gene: AMT (aminomethyltransferase; minus strand). Cytogenetic location: 3p21.31.
Variant type: Indel.
Coding change: c.954_959delinsAAGGCA on transcript NM_000481.4 (MANE Select); coding-DNA positions 954 to 959, GAGGCG replaced by AAGGCA.
Protein change: p.Arg320His; replaces arginine 320 with histidine.
Molecular consequence: missense variant. On other transcripts: non-coding transcript variant (1).
Genome position (GRCh38, 1-based): chr3:49,417,892-49,417,897, CGCCTC replaced by TGCCTT on the plus strand (GAGGCG replaced by AAGGCA on the coding strand, the reverse complement: AMT is on the minus strand). VCF-style: chr3-49417892-CGCCTC-TGCCTT. GRCh37 (hg19) VCF-style: chr3-49455325-CGCCTC-TGCCTT.
Other names: c.954_959delGAGGCGinsAAGGCA, p.Arg320His (NM_000481.3); c.822_827delinsAAGGCA, p.Arg276His (NM_001164710.2); c.786_791delinsAAGGCA, p.Arg264His (NM_001164711.2); c.954_959delinsAAGGCA, p.Arg320His (NM_001164712.2); short protein forms R264H, R276H, R320H.
Identifiers: ClinVar variation 2581425 (VCV002581425.1), dbSNP rs2471146274, ClinGen allele CA2582342856.